The following is an entry in ClinVar:

NM_052865.4(MGME1):c.402C>G (p.Thr134=)

Genes: MGME1 (mitochondrial genome maintenance exonuclease 1; plus strand), LOC126862983 (CDK7 strongly-dependent group 2 enhancer GRCh37_chr20:17950167-17951366; plus strand). Cytogenetic location: 20p11.23.
Variant type: single nucleotide variant.
Coding change: c.402C>G on transcript NM_052865.4 (MANE Select); coding-DNA position 402, C replaced by G.
Protein change: p.Thr134=; no amino-acid change (threonine 134 retained).
Molecular consequence: synonymous variant. On other transcripts: intron variant (1).
Genome position (GRCh38, 1-based): chr20:17,970,261, C>G. VCF-style: chr20-17970261-C-G. GRCh37 (hg19) VCF-style: chr20-17950904-C-G.
Other names: c.402C>G, p.Thr134= (NM_001310338.2, NM_001310339.2); c.271+131C>G (NM_001363738.2).
Identifiers: ClinVar variation 3034415 (VCV003034415.4), dbSNP rs145801798, ClinGen allele CA9774925.
Genomic context (GRCh38, chr20:17,970,261, plus strand): 5'-AAGTGATCCTTCAGTTCCTTTGAAAATCCCCTTGCAAAGGAATGTGATACCAAGTGTGAC[C>G]CGAGTCCTTCAGCAGACCATGACAAAACAACAGGTTTTCTTGTTGGAGAGGTGGAAACAG-3'
Protein context (NP_443097.1, residues 124-144): PLQRNVIPSV[Thr134=]RVLQQTMTKQ

ClinVar aggregate classification (germline): Likely benign. Review status: criteria provided, single submitter (1 of 4 stars). 2 submissions from 2 submitters: Likely benign (1). 1 of the submissions does not count toward it. Last evaluated 2024-04-25.

Conditions:
MGME1-related disorder. Also called: MGME1-related condition.

Allele frequency attached by ClinVar (database versions not stated): ExAC 0.00001; gnomAD 0.00001; TOPMed 0.00001; ESP Exome Variant Server 0.00008.
gnomAD v4.1: 1 of 1,614,056 alleles (0.000062%); highest among the groups gnomAD compares: African/African-American, 0.0013%; no homozygotes.

Submissions (2):

Labcorp Genetics (formerly Invitae), Labcorp
Classification: Likely benign. Last evaluated: 2024-04-25. Review status: criteria provided, single submitter. Criteria: Invitae Variant Classification Sherloc (09022015). Collection method: clinical testing. Allele origin: germline.

PreventionGenetics, part of Exact Sciences
Classification: Likely benign for MGME1-related condition. Last evaluated: 2019-06-06. Review status: no assertion criteria provided. Collection method: clinical testing. Allele origin: germline. Not counted in ClinVar's aggregate classification.
Comment: This variant is classified as likely benign based on ACMG/AMP sequence variant interpretation guidelines (Richards et al. 2015 PMID: 25741868, with internal and published modifications).